The following is an entry in ClinVar:

NM_003896.4(ST3GAL5):c.482C>T (p.Pro161Leu)

Gene: ST3GAL5 (ST3 beta-galactoside alpha-2,3-sialyltransferase 5; minus strand). Cytogenetic location: 2p11.2.
Variant type: single nucleotide variant.
Coding change: c.482C>T on transcript NM_003896.4 (MANE Select); coding-DNA position 482, C replaced by T.
Protein change: p.Pro161Leu; replaces proline 161 with leucine.
Molecular consequence: missense variant. On other transcripts: 5 prime UTR variant (1).
Genome position (GRCh38, 1-based): chr2:85,848,041, G>A on the plus strand (C>T on the coding strand, the complement: ST3GAL5 is on the minus strand). VCF-style: chr2-85848041-G-A. GRCh37 (hg19) VCF-style: chr2-86075164-G-A.
Other names: c.413C>T, p.Pro138Leu (NM_001042437.2); c.98C>T, p.Pro33Leu (NM_001354223.2, NM_001354224.2, NM_001354226.2 and 3 more transcripts); c.398C>T, p.Pro133Leu (NM_001354227.2, NM_001354229.2, NM_001354238.1); c.-423C>T (NM_001354247.1); c.482C>T, p.Pro161Leu (NM_001363847.1); short protein forms P33L, P161L, P133L, P138L.
Identifiers: ClinVar variation 1043330 (VCV001043330.9), dbSNP rs1683022718, ClinGen allele CA347532385.
Genomic context (GRCh38, chr2:85,848,041, plus strand): 5'-TGCTCTGGCAAGAGTTCCAAGAGGGTCTGGACTTTACTGGAGAACTTCCGGAACCCAAAA[G>A]GAGGATCGTACTTGGACTCAGCTTCACTGTCTTTGGGGGCCTTCTGCACAAAAGGGAGTA-3'
Protein context (NP_003887.3, residues 151-171): DSEAESKYDP[Pro161Leu]FGFRKFSSKV

ClinVar aggregate classification (germline): Uncertain significance (1 of 4 stars; one submission).

Conditions:
GM3 synthase deficiency (SPDRS). Also called: AMISH INFANTILE EPILEPSY SYNDROME; SALT AND PEPPER MENTAL RETARDATION SYNDROME; SALT AND PEPPER DEVELOPMENTAL REGRESSION SYNDROME. Identifiers: Orphanet 171714, Orphanet 370933, MedGen C1836824, MONDO:0018274, OMIM 609056.

Allele frequency attached by ClinVar (database versions not stated): gnomAD exomes below 0.00001.
gnomAD v4.1: 1 of 1,614,154 alleles (0.000062%); highest among the groups gnomAD compares: Middle Eastern, 0.016%; no homozygotes.

Submission:

Labcorp Genetics (formerly Invitae), Labcorp
Classification: Uncertain significance for GM3 synthase deficiency. Last evaluated: 2020-09-10. Review status: criteria provided, single submitter. Criteria: Invitae Variant Classification Sherloc (09022015). Collection method: clinical testing. Allele origin: germline.
Comment: In summary, the available evidence is currently insufficient to determine the role of this variant in disease. Therefore, it has been classified as a Variant of Uncertain Significance. Algorithms developed to predict the effect of missense changes on protein structure and function (SIFT, PolyPhen-2, Align-GVGD) all suggest that this variant is likely to be disruptive, but these predictions have not been confirmed by published functional studies and their clinical significance is uncertain. This variant has not been reported in the literature in individuals with ST3GAL5-related conditions. This variant is not present in population databases (ExAC no frequency). This sequence change replaces proline with leucine at codon 161 of the ST3GAL5 protein (p.Pro161Leu). The proline residue is highly conserved and there is a moderate physicochemical difference between proline and leucine.